The following is an entry in ClinVar:

NM_001370466.1(NOD2):c.326G>A (p.Ser109Asn)

Gene: NOD2 (nucleotide binding oligomerization domain containing 2; plus strand). Cytogenetic location: 16q12.1.
Variant type: single nucleotide variant.
Coding change: c.326G>A on transcript NM_001370466.1 (MANE Select); coding-DNA position 326, G replaced by A.
Protein change: p.Ser109Asn; replaces serine 109 with asparagine.
Molecular consequence: missense variant. On other transcripts: non-coding transcript variant (1).
Genome position (GRCh38, 1-based): chr16:50,699,821, G>A. VCF-style: chr16-50699821-G-A. GRCh37 (hg19) VCF-style: chr16-50733732-G-A.
Other names: c.326G>A, p.Ser109Asn (NM_001293557.2); c.407G>A, p.Ser136Asn (NM_022162.3); short protein forms S109N, S136N.
Identifiers: ClinVar variation 3749358 (VCV003749358.2).
Genomic context (GRCh38, chr16:50,699,821, plus strand): 5'-CCCCCAAGCTGCATGGCTGCTGGGACCCCCACTCGCTCCACCCAGCCCGAGACCTGCAGA[G>A]TCACCGGCCAGCCATTGTCAGGAGGCTCCACAGCCATGTGGAGAACATGCTGGACCTGGC-3'
Protein context (NP_001357395.1, residues 99-119): HSLHPARDLQ[Ser109Asn]HRPAIVRRLH

ClinVar aggregate classification (germline): Uncertain significance (1 of 4 stars; one submission).

Conditions:
Blau syndrome (BLAUS). Also called: GRANULOMATOSIS, FAMILIAL JUVENILE SYSTEMIC; GRANULOMATOSIS, FAMILIAL, BLAU TYPE; GRANULOMATOUS INFLAMMATORY ARTHRITIS, DERMATITIS, AND UVEITIS, FAMILIAL; JABS SYNDROME; ARTHROCUTANEOUVEAL GRANULOMATOSIS. Identifiers: Orphanet 90340, MedGen C5201146, MONDO:0008523, OMIM 186580.
Regional enteritis. Also called: Enteritis, Granulomatous. Identifiers: MedGen C0678202, MeSH D003424.

Submission:

Labcorp Genetics (formerly Invitae), Labcorp
Classification: Uncertain significance for Regional enteritis; Blau syndrome. Last evaluated: 2024-06-19. Review status: criteria provided, single submitter. Criteria: Invitae Variant Classification Sherloc (09022015). Collection method: clinical testing. Allele origin: germline.
Comment: This sequence change replaces serine, which is neutral and polar, with asparagine, which is neutral and polar, at codon 136 of the NOD2 protein (p.Ser136Asn). This variant is not present in population databases (gnomAD no frequency). This variant has not been reported in the literature in individuals affected with NOD2-related conditions. Advanced modeling of protein sequence and biophysical properties (such as structural, functional, and spatial information, amino acid conservation, physicochemical variation, residue mobility, and thermodynamic stability) performed at Invitae indicates that this missense variant is not expected to disrupt NOD2 protein function with a negative predictive value of 95%. In summary, the available evidence is currently insufficient to determine the role of this variant in disease. Therefore, it has been classified as a Variant of Uncertain Significance.